The following is an entry in ClinVar:

NM_007194.4(CHEK2):c.793-21_793-20del

Gene: CHEK2 (checkpoint kinase 2; minus strand). Cytogenetic location: 22q12.1.
Variant type: Microsatellite.
Coding change: c.793-21_793-20del on transcript NM_007194.4 (MANE Select); 21 bases into the intron before coding-DNA position 793 through 20 bases into the intron before coding-DNA position 793, 2 bases deleted (CT; older notation c.793-21_793-20delCT).
Molecular consequence: intron variant.
Genome position (GRCh38, 1-based): chr22:28,710,079-28,710,080, AG deleted on the plus strand (CT on the coding strand, the reverse complement: CHEK2 is on the minus strand); deleting any 2 consecutive bases within chr22:28,710,079-28,710,082 gives the same sequence; the c. name uses the placement nearest the transcript's 3' end. VCF-style (leftmost placement, unchanged base first): chr22-28710078-CAG-C. GRCh37 (hg19) VCF-style: chr22-29106066-CAG-C.
Other names: c.130-21_130-20del (NM_001437942.1, NM_001257387.3); c.592-21_592-20del (NM_001349956.3); c.793-21_793-20del (NM_145862.3); c.886-21_886-20del (NM_001438295.1, NM_001438293.1); c.922-21_922-20del (NM_001438294.1, NM_001005735.3).
Identifiers: ClinVar variation 2031443 (VCV002031443.5), dbSNP rs1719605865, ClinGen allele CA1024866172.

ClinVar aggregate classification (germline): Benign/Likely benign. Review status: criteria provided, multiple submitters, no conflicts (2 of 4 stars). 2 submissions from 2 submitters: Benign (1); Likely benign (1). Last evaluated 2024-10-03.

Conditions:
Familial cancer of breast. Also called: BREAST CANCER, FAMILIAL; Hereditary breast cancer; hereditary breast carcinoma. Identifiers: Orphanet 227535, MedGen C0346153, MONDO:0016419, OMIM 114480. Disease mechanism: loss of function.

Submissions (2):

Myriad Genetics, Inc.
Classification: Benign for Familial cancer of breast. Last evaluated: 2024-10-03. Review status: criteria provided, single submitter. Criteria: Myriad Autosomal Dominant, Autosomal Recessive and X-Linked Classification Criteria (2023). Collection method: clinical testing. Allele origin: unknown.
Comment: This variant is considered benign. This variant is intronic and is not expected to impact mRNA splicing.

Labcorp Genetics (formerly Invitae), Labcorp
Classification: Likely benign for Familial cancer of breast. Last evaluated: 2022-09-20. Review status: criteria provided, single submitter. Criteria: Invitae Variant Classification Sherloc (09022015). Collection method: clinical testing. Allele origin: germline.